The following is an entry in ClinVar:

NM_001354483.2(CSGALNACT1):c.1448A>G (p.Asp483Gly)

Gene: CSGALNACT1 (chondroitin sulfate N-acetylgalactosaminyltransferase 1; minus strand). Cytogenetic location: 8p21.3.
Variant type: single nucleotide variant.
Coding change: c.1448A>G on transcript NM_001354483.2 (MANE Select); coding-DNA position 1448, A replaced by G.
Protein change: p.Asp483Gly; replaces aspartic acid 483 with glycine.
Molecular consequence: missense variant. On other transcripts: non-coding transcript variant (7).
Genome position (GRCh38, 1-based): chr8:19,405,931, T>C on the plus strand (A>G on the coding strand, the complement: CSGALNACT1 is on the minus strand). VCF-style: chr8-19405931-T-C. GRCh37 (hg19) VCF-style: chr8-19263442-T-C.
Other names: c.1448A>G, p.Asp483Gly (NM_001130518.2, NM_001354475.2, NM_001354476.2 and 18 more transcripts); short protein forms D483G.
Identifiers: ClinVar variation 2135397 (VCV002135397.2), dbSNP rs146627040, ClinGen allele CA4653756.
Genomic context (GRCh38, chr8:19,405,931, plus strand): 5'-GATGCCTCGTTCATGGCCTTGGACTGCATGCACATCTTGTACTGCTCGGGGGTCAGCTCG[T>C]CCATGCAGCGCTTCTCATGCCAGAGGTGGAAGAGTCCTCGCACAGGCGTCCGTACCACTA-3'
Protein context (NP_001341412.1, residues 473-493): FHLWHEKRCM[Asp483Gly]ELTPEQYKMC

ClinVar aggregate classification (germline): Uncertain significance (1 of 4 stars; one submission).

Allele frequency attached by ClinVar (database versions not stated): gnomAD 0.00001; TOPMed 0.00001; gnomAD exomes 0.00002; ExAC 0.00003; ESP Exome Variant Server 0.00008.
gnomAD v4.1: 36 of 1,614,004 alleles (0.0022%); highest among the groups gnomAD compares: Non-Finnish European, 0.0029%; no homozygotes.

Submission:

Labcorp Genetics (formerly Invitae), Labcorp
Classification: Uncertain significance. Last evaluated: 2022-11-08. Review status: criteria provided, single submitter. Criteria: Invitae Variant Classification Sherloc (09022015). Collection method: clinical testing. Allele origin: germline.
Comment: In summary, the available evidence is currently insufficient to determine the role of this variant in disease. Therefore, it has been classified as a Variant of Uncertain Significance. Advanced modeling of protein sequence and biophysical properties (such as structural, functional, and spatial information, amino acid conservation, physicochemical variation, residue mobility, and thermodynamic stability) performed at Invitae indicates that this missense variant is not expected to disrupt CSGALNACT1 protein function. This variant has not been reported in the literature in individuals affected with CSGALNACT1-related conditions. This variant is present in population databases (rs146627040, gnomAD 0.004%). This sequence change replaces aspartic acid, which is acidic and polar, with glycine, which is neutral and non-polar, at codon 483 of the CSGALNACT1 protein (p.Asp483Gly).